The following is an entry in ClinVar:

NM_001070.5(TUBG1):c.480-9C>G

Gene: TUBG1 (tubulin gamma 1; plus strand). Cytogenetic location: 17q21.2.
Variant type: single nucleotide variant.
Coding change: c.480-9C>G on transcript NM_001070.5 (MANE Select); 9 bases into the intron before coding-DNA position 480, C replaced by G.
Molecular consequence: intron variant.
Genome position (GRCh38, 1-based): chr17:42,612,938, C>G. VCF-style: chr17-42612938-C-G. GRCh37 (hg19) VCF-style: chr17-40764956-C-G.
Identifiers: ClinVar variation 1305415 (VCV001305415.3), dbSNP rs754672825, ClinGen allele CA2573054432.

ClinVar aggregate classification (germline): Uncertain significance (1 of 4 stars; one submission).

Submission:

GeneDx
Classification: Uncertain significance. Last evaluated: 2026-02-10. Review status: criteria provided, single submitter. Criteria: GeneDx Variant Classification Process June 2021. Collection method: clinical testing. Allele origin: germline. Affected: yes.
Comment: Not observed at significant frequency in large population cohorts (gnomAD); Has not been previously published as pathogenic or benign to our knowledge; In silico analysis suggests that this variant does not alter splicing